The following is an entry in ClinVar:

NM_015488.5(PNKD):c.146G>A (p.Gly49Asp)

Gene: PNKD (PNKD metallo-beta-lactamase domain containing; plus strand). Cytogenetic location: 2q35.
Variant type: single nucleotide variant.
Coding change: c.146G>A on transcript NM_015488.5 (MANE Select); coding-DNA position 146, G replaced by A.
Protein change: p.Gly49Asp; replaces glycine 49 with aspartic acid.
Molecular consequence: missense variant.
Genome position (GRCh38, 1-based): chr2:218,271,459, G>A. VCF-style: chr2-218271459-G-A. GRCh37 (hg19) VCF-style: chr2-219136182-G-A.
Other names: c.146G>A, p.Gly49Asp (NM_001077399.3); short protein forms G49D.
Identifiers: ClinVar variation 3604006 (VCV003604006.2).
Genomic context (GRCh38, chr2:218,271,459, plus strand): 5'-CAGCTAACAAGGCTTCTCATAACAGGACCCGGGCCCTGCAAAGCCACAGCTCCCCAGAGG[G>A]CAAGGAGGAACCTGAACCCCTATCCCCGGAGCTGGAATACATTCCCAGAAAGAGGGGCAA-3'
Protein context (NP_056303.3, residues 39-59): RALQSHSSPE[Gly49Asp]KEEPEPLSPE

ClinVar aggregate classification (germline): Uncertain significance (1 of 4 stars; one submission).

Conditions:
Paroxysmal nonkinesigenic dyskinesia. Also called: Paroxysmal non-kinesigenic dyskinesia. Identifiers: Orphanet 98810, MedGen C1869117, MONDO:0700088.

gnomAD v4.1: 3 of 1,614,098 alleles (0.00019%); highest among the groups gnomAD compares: East Asian, 0.0067%; no homozygotes.

Submission:

Labcorp Genetics (formerly Invitae), Labcorp
Classification: Uncertain significance for Paroxysmal nonkinesigenic dyskinesia. Last evaluated: 2024-04-15. Review status: criteria provided, single submitter. Criteria: Invitae Variant Classification Sherloc (09022015). Collection method: clinical testing. Allele origin: germline.
Comment: This sequence change replaces glycine, which is neutral and non-polar, with aspartic acid, which is acidic and polar, at codon 49 of the PNKD protein (p.Gly49Asp). This variant is not present in population databases (gnomAD no frequency). This variant has not been reported in the literature in individuals affected with PNKD-related conditions. An algorithm developed to predict the effect of missense changes on protein structure and function (PolyPhen-2) suggests that this variant is likely to be tolerated. In summary, the available evidence is currently insufficient to determine the role of this variant in disease. Therefore, it has been classified as a Variant of Uncertain Significance.